The following is an entry in ClinVar:

NM_000051.4(ATM):c.5934del (p.Glu1979fs)

Genes: ATM (ATM serine/threonine kinase; plus strand), C11orf65 (chromosome 11 open reading frame 65; minus strand). Cytogenetic location: 11q22.3.
Variant type: Deletion.
Coding change: c.5934del on transcript NM_000051.4 (MANE Select); coding-DNA position 5934, one base deleted (A; older notation c.5934delA).
Protein change: p.Glu1979fs; shifts the reading frame from glutamic acid 1979.
Molecular consequence: frameshift variant. On other transcripts: intron variant (2).
Genome position (GRCh38, 1-based): chr11:108,312,426, A deleted; the last of 2 consecutive A bases (chr11:108,312,425-108,312,426); deleting either gives the same sequence. VCF-style (leftmost placement, unchanged base first): chr11-108312424-GA-G. GRCh37 (hg19) VCF-style: chr11-108183151-GA-G.
Other names: c.5934del, p.Glu1979fs (NM_001351834.2); c.641-3354del (NM_001330368.2); c.*39-3354del (NM_001351110.2); short protein forms E1979fs.
Identifiers: ClinVar variation 3147979 (VCV003147979.1), dbSNP rs2547052455, ClinGen allele CA2825001924.

ClinVar aggregate classification (germline): Pathogenic (1 of 4 stars; one submission).

Conditions:
Familial cancer of breast. Also called: hereditary breast carcinoma; BREAST CANCER, FAMILIAL; Hereditary breast cancer. Identifiers: Orphanet 227535, MedGen C0346153, MONDO:0016419, OMIM 114480. Disease mechanism: loss of function.

Submission:

Myriad Genetics, Inc.
Classification: Pathogenic for Familial cancer of breast. Last evaluated: 2024-01-26. Review status: criteria provided, single submitter. Criteria: Myriad Autosomal Dominant, Autosomal Recessive and X-Linked Classification Criteria (2023). Collection method: clinical testing. Allele origin: unknown.
Comment: This variant is considered pathogenic. This variant creates a frameshift predicted to result in premature protein truncation.